The following is an entry in ClinVar:

ClinVar aggregate classification (germline): Likely benign. Review status: criteria provided, multiple submitters, no conflicts (2 of 4 stars). 2 submissions from 2 submitters: Likely benign (2). Last evaluated 2022-04-02.

Conditions:
Hereditary sensory and autonomic neuropathy type 1 (HSAN1). Also called: HSAN 1; HSN Type I; Hereditary Sensory Neuropathy Type I. Identifiers: Orphanet 36386, MedGen C0020071, MONDO:0018213.

Allele frequency attached by ClinVar (database versions not stated): gnomAD exomes 0.00004 and 0.00001; gnomAD 0.00015 and 0.00014; TOPMed 0.00013; ExAC 0.00003.
gnomAD v4.1: 33 of 1,611,464 alleles (0.002%); highest among the groups gnomAD compares: African/African-American, 0.04%; no homozygotes.

Submissions (2):

Labcorp Genetics (formerly Invitae), Labcorp
Classification: Likely benign for Hereditary sensory and autonomic neuropathy type 1. Last evaluated: 2022-04-02. Review status: criteria provided, single submitter. Criteria: Invitae Variant Classification Sherloc (09022015). Collection method: clinical testing. Allele origin: germline.

GeneDx
Classification: Likely benign. Last evaluated: 2017-04-29. Review status: criteria provided, single submitter. Criteria: GeneDx Variant Classification (06012015). Collection method: clinical testing. Allele origin: germline. Affected: yes.
Comment: This variant is considered likely benign or benign based on one or more of the following criteria: it is a conservative change, it occurs at a poorly conserved position in the protein, it is predicted to be benign by multiple in silico algorithms, and/or has population frequency not consistent with disease.

NM_006415.4(SPTLC1):c.57+13C>G

Gene: SPTLC1 (serine palmitoyltransferase long chain base subunit 1; minus strand). Cytogenetic location: 9q22.31.
Variant type: single nucleotide variant.
Coding change: c.57+13C>G on transcript NM_006415.4 (MANE Select); 13 bases into the intron after coding-DNA position 57, C replaced by G.
Molecular consequence: intron variant.
Genome position (GRCh38, 1-based): chr9:92,115,301, G>C on the plus strand (C>G on the coding strand, the complement: SPTLC1 is on the minus strand). VCF-style: chr9-92115301-G-C. GRCh37 (hg19) VCF-style: chr9-94877583-G-C.
Other names: c.57+13C>G (LRG_272t1, NM_001281303.2, NM_178324.3); c.-443+13C>G (NM_001368272.1); c.-554+13C>G (NM_001368273.1).
Identifiers: ClinVar variation 508983 (VCV000508983.10), dbSNP rs746480091, ClinGen allele CA5121705.